The following is an entry in ClinVar:

NM_000051.4(ATM):c.1176C>A (p.Gly392=)

Gene: ATM (ATM serine/threonine kinase; plus strand). Cytogenetic location: 11q22.3.
Variant type: single nucleotide variant.
Coding change: c.1176C>A on transcript NM_000051.4 (MANE Select); coding-DNA position 1176, C replaced by A.
Protein change: p.Gly392=; no amino-acid change (glycine 392 retained).
Molecular consequence: synonymous variant.
Genome position (GRCh38, 1-based): chr11:108,249,043, C>A. VCF-style: chr11-108249043-C-A. GRCh37 (hg19) VCF-style: chr11-108119770-C-A.
Other names: c.1176C>A, p.Gly392= (NM_001351834.2).
Identifiers: ClinVar variation 3253910 (VCV003253910.1), dbSNP rs1800727.

ClinVar aggregate classification (germline): Benign (1 of 4 stars; one submission).

Conditions:
Familial cancer of breast. Also called: BREAST CANCER, FAMILIAL; Hereditary breast cancer; hereditary breast carcinoma. Identifiers: Orphanet 227535, MedGen C0346153, MONDO:0016419, OMIM 114480. Disease mechanism: loss of function.

Submission:

Myriad Genetics, Inc.
Classification: Benign for Familial cancer of breast. Last evaluated: 2024-04-25. Review status: criteria provided, single submitter. Criteria: Myriad Autosomal Dominant, Autosomal Recessive and X-Linked Classification Criteria (2023). Collection method: clinical testing. Allele origin: unknown.
Comment: This variant is considered benign. This variant is a silent/synonymous amino acid change and it is not expected to impact splicing.